The following is an entry in ClinVar:

NM_022166.4(XYLT1):c.2665G>C (p.Glu889Gln)

Gene: XYLT1 (xylosyltransferase 1; minus strand). Cytogenetic location: 16p12.3.
Variant type: single nucleotide variant.
Coding change: c.2665G>C on transcript NM_022166.4 (MANE Select); coding-DNA position 2665, G replaced by C.
Protein change: p.Glu889Gln; replaces glutamic acid 889 with glutamine.
Molecular consequence: missense variant.
Genome position (GRCh38, 1-based): chr16:17,108,910, C>G on the plus strand (G>C on the coding strand, the complement: XYLT1 is on the minus strand). VCF-style: chr16-17108910-C-G. GRCh37 (hg19) VCF-style: chr16-17202767-C-G.
Other names: short protein forms E889Q.
Identifiers: ClinVar variation 1469251 (VCV001469251.5), dbSNP rs752844900, ClinGen allele CA7927512.

ClinVar aggregate classification (germline): Uncertain significance (1 of 4 stars; one submission).

Conditions:
Desbuquois dysplasia 1 (DBQD1). Also called: MICROMELIC DWARFISM WITH VERTEBRAL AND METAPHYSEAL ABNORMALITIES AND ADVANCED CARPOTARSAL OSSIFICATION; DESBUQUOIS DYSPLASIA 1, KIM VARIANT. Identifiers: Orphanet 1425, MedGen C4012146, MONDO:0009629, OMIM 251450.

Allele frequency attached by ClinVar (database versions not stated): ExAC 0.00001; gnomAD 0.00001; gnomAD exomes 0.00001.
gnomAD v4.1: 15 of 1,606,074 alleles (0.00093%); highest among the groups gnomAD compares: Non-Finnish European, 0.0013%; no homozygotes.

Submission:

Labcorp Genetics (formerly Invitae), Labcorp
Classification: Uncertain significance for Desbuquois dysplasia 1. Last evaluated: 2022-05-27. Review status: criteria provided, single submitter. Criteria: Invitae Variant Classification Sherloc (09022015). Collection method: clinical testing. Allele origin: germline.
Comment: Algorithms developed to predict the effect of missense changes on protein structure and function are either unavailable or do not agree on the potential impact of this missense change (SIFT: "Deleterious"; PolyPhen-2: "Probably Damaging"; Align-GVGD: "Class C0"). This variant has not been reported in the literature in individuals affected with XYLT1-related conditions. This variant is present in population databases (rs752844900, gnomAD 0.002%). This sequence change replaces glutamic acid, which is acidic and polar, with glutamine, which is neutral and polar, at codon 889 of the XYLT1 protein (p.Glu889Gln). In summary, the available evidence is currently insufficient to determine the role of this variant in disease. Therefore, it has been classified as a Variant of Uncertain Significance.